The following is an entry in ClinVar:

NM_015443.4(KANSL1):c.3298C>T (p.Gln1100Ter)

Gene: KANSL1 (KAT8 regulatory NSL complex subunit 1). Cytogenetic location: 17q21.31.
Variant type: single nucleotide variant.
Coding change: c.3298C>T on transcript NM_015443.4 (MANE Select); coding-DNA position 3298, C replaced by T.
Protein change: p.Gln1100Ter; replaces glutamine 1100 with a stop codon.
Molecular consequence: nonsense.
Genome position (GRCh38, 1-based): chr17:46,031,496, G>A on the plus strand (C>T on the coding strand, the complement: KANSL1 is on the minus strand). VCF-style: chr17-46031496-G-A. GRCh37 (hg19) VCF-style: chr17-44108862-G-A.
Other names: c.3295C>T, p.Gln1099Ter (NM_001193465.2, NM_001405856.1, NM_001405857.1 and 1 more transcripts); c.3298C>T, p.Gln1100Ter (NM_001193466.2, NM_001379198.1, NM_001405854.1 and 1 more transcripts); c.3196C>T, p.Gln1066Ter (NM_001405859.1, NM_001405860.1); c.3193C>T, p.Gln1065Ter (NM_001405861.1); c.3166C>T, p.Gln1056Ter (NM_001405872.1, NM_001405873.1, NM_001405874.1); c.3109C>T, p.Gln1037Ter (NM_001405875.1, NM_001405876.1, NM_001405877.1 and 1 more transcripts); c.3106C>T, p.Gln1036Ter (NM_001405879.1, NM_001405880.1); c.3061C>T, p.Gln1021Ter (NM_001405881.1); and 4 more; short protein forms Q1056*, Q1066*, Q1100*, Q678*, Q1037*, Q1065*, Q1021*, Q1099*.
Identifiers: ClinVar variation 3653907 (VCV003653907.2).

ClinVar aggregate classification (germline): Uncertain significance (1 of 4 stars; one submission).

Conditions:
Koolen-de Vries syndrome (KDVS). Identifiers: Orphanet 96169, MedGen C1864871, MONDO:0012496, OMIM 610443.

Submission:

Labcorp Genetics (formerly Invitae), Labcorp
Classification: Uncertain significance for Koolen-de Vries syndrome. Last evaluated: 2024-05-20. Review status: criteria provided, single submitter. Criteria: Invitae Variant Classification Sherloc (09022015). Collection method: clinical testing. Allele origin: germline.
Comment: This sequence change creates a premature translational stop signal (p.Gln1100*) in the KANSL1 gene. While this is not anticipated to result in nonsense mediated decay, it is expected to disrupt the last 6 amino acid(s) of the KANSL1 protein. This variant is not present in population databases (gnomAD no frequency). This variant has not been reported in the literature in individuals affected with KANSL1-related conditions. In summary, the available evidence is currently insufficient to determine the role of this variant in disease. Therefore, it has been classified as a Variant of Uncertain Significance.